The following is an entry in ClinVar:

ClinVar aggregate classification (germline): Uncertain significance (1 of 4 stars; one submission).

gnomAD v4.1: 2 of 1,585,104 alleles (0.00013%); highest among the groups gnomAD compares: Non-Finnish European, 0.00017%; no homozygotes.

Submission:

Women's Health and Genetics/Laboratory Corporation of America, LabCorp
Classification: Uncertain significance. Last evaluated: 2024-08-07. Review status: criteria provided, single submitter. Criteria: LabCorp Variant Classification Summary - May 2015. Collection method: clinical testing. Allele origin: germline.
Comment: Variant summary: BLOC1S3 c.34C>T (p.Arg12Trp) results in a non-conservative amino acid change in the encoded protein sequence. Three of five in-silico tools predict a damaging effect of the variant on protein function. The frequency data for this variant in gnomAD is considered unreliable, as metrics indicate poor data quality at this position. To our knowledge, no occurrence of c.34C>T in individuals affected with Hermansky-Pudlak Syndrome and no experimental evidence demonstrating its impact on protein function have been reported. No submitters have cited clinical-significance assessments for this variant to ClinVar. Based on the evidence outlined above, the variant was classified as uncertain significance.

NM_212550.5(BLOC1S3):c.34C>T (p.Arg12Trp)

Gene: BLOC1S3 (biogenesis of lysosomal organelles complex 1 subunit 3; plus strand). Cytogenetic location: 19q13.32.
Variant type: single nucleotide variant.
Coding change: c.34C>T on transcript NM_212550.5 (MANE Select); coding-DNA position 34, C replaced by T.
Protein change: p.Arg12Trp; replaces arginine 12 with tryptophan.
Molecular consequence: missense variant.
Genome position (GRCh38, 1-based): chr19:45,179,330, C>T. VCF-style: chr19-45179330-C-T. GRCh37 (hg19) VCF-style: chr19-45682588-C-T.
Other names: short protein forms R12W.
Identifiers: ClinVar variation 3366440 (VCV003366440.1).
Genomic context (GRCh38, chr19:45,179,330, plus strand): 5'-TTCGCTCTTCTCCCCTAGTTCGGTGCCATGGCGTCCCAGGGTCGTCGGCGGAGGCCCCTG[C>T]GGAGGCCGGAGACGGTGGTGCCGGGGGAGGCGACCGAGACGGATTCCGAGCGCTCTGCGT-3'
Protein context (NP_997715.1, residues 2-22): ASQGRRRRPL[Arg12Trp]RPETVVPGEA